The following is an entry in ClinVar:

NM_138691.3(TMC1):c.2134_2135del (p.Ala712fs)

Gene: TMC1 (transmembrane channel like 1; plus strand). Cytogenetic location: 9q21.13.
Variant type: Deletion.
Coding change: c.2134_2135del on transcript NM_138691.3 (MANE Select); coding-DNA positions 2134 to 2135, 2 bases deleted (GC; older notation c.2134_2135delGC).
Protein change: p.Ala712fs; shifts the reading frame from alanine 712.
Molecular consequence: frameshift variant.
Genome position (GRCh38, 1-based): chr9:72,830,455-72,830,456, GC deleted. VCF-style (leftmost placement, unchanged base first): chr9-72830454-GGC-G. GRCh37 (hg19) VCF-style: chr9-75445370-GGC-G.
Other names: short protein forms A712fs.
Identifiers: ClinVar variation 3601902 (VCV003601902.1).

ClinVar aggregate classification (germline): Pathogenic (1 of 4 stars; one submission).

Conditions:
Autosomal recessive nonsyndromic hearing loss 7. Also called: DEAFNESS, AUTOSOMAL RECESSIVE 11. Identifiers: Orphanet 90636, MedGen C1832978, MONDO:0010967, OMIM 600974.

Submission:

Institute of Rare Diseases, West China Hospital, Sichuan University
Classification: Pathogenic for Autosomal recessive nonsyndromic hearing loss 7. Last evaluated: 2025-01-09. Review status: criteria provided, single submitter. Criteria: ClinGen HL ACMG Specifications v1. Collection method: research. Allele origin: germline. Affected: yes.
Comment: PVS1;PM3_Supporting;PM2_Supporting